The following is an entry in ClinVar:

ClinVar aggregate classification (germline): Pathogenic/Likely pathogenic. Review status: criteria provided, multiple submitters, no conflicts (2 of 4 stars). 3 submissions from 3 submitters: Pathogenic (2); Likely pathogenic (1). Last evaluated 2025-09-19.

Conditions:
Retinitis pigmentosa 25 (RP25). Identifiers: Orphanet 791, MedGen C1864446, MONDO:0011272, OMIM 602772.
EYS-related disorder. Also called: EYS-related condition.

Submissions (3):

Myriad Genetics, Inc.
Classification: Pathogenic for Retinitis pigmentosa 25. Last evaluated: 2025-09-19. Review status: criteria provided, single submitter. Criteria: Myriad Autosomal Dominant, Autosomal Recessive and X-Linked Classification Criteria (2023). Collection method: clinical testing. Allele origin: unknown.
Comment: NM_001142800.1(EYS):c.8692delT(S2898Lfs*20) is frameshift variant classified as pathogenic in the context of retinitis pigmentosa, EYS-related. S2898Lfs*20 has not been observed in cases with relevant disease. Relevant functional assessments of this variant are not available in the literature. S2898Lfs*20 has not been observed in referenced population frequency databases. In summary, NM_001142800.1(EYS):c.8692delT(S2898Lfs*20) is a frameshift variant in a gene where loss of function is a known mechanism of disease and is predicted to disrupt protein function. Please note: this variant was assessed in the context of healthy population screening.

Labcorp Genetics (formerly Invitae), Labcorp
Classification: Pathogenic. Last evaluated: 2024-01-16. Review status: criteria provided, single submitter. Criteria: Invitae Variant Classification Sherloc (09022015). Collection method: clinical testing. Allele origin: germline.
Comment: This sequence change creates a premature translational stop signal (p.Ser2898Leufs*20) in the EYS gene. While this is not anticipated to result in nonsense mediated decay, it is expected to disrupt the last 247 amino acid(s) of the EYS protein. This variant is not present in population databases (gnomAD no frequency). This variant has not been reported in the literature in individuals affected with EYS-related conditions. ClinVar contains an entry for this variant (Variation ID: 1451270). This variant disrupts a region of the EYS protein in which other variant(s) (p.Tyr3135*) have been determined to be pathogenic (PMID: 18976725, 29159838, 30337596, 31074760). This suggests that this is a clinically significant region of the protein, and that variants that disrupt it are likely to be disease-causing. For these reasons, this variant has been classified as Pathogenic.

Blueprint Genetics
Classification: Likely pathogenic for EYS-related disorders. Last evaluated: 2021-09-24. Review status: criteria provided, single submitter. Criteria: ACMG Guidelines, 2015. Collection method: clinical testing. Allele origin: germline. Affected: yes. Observed: 2 variant alleles.

Literature cited by the submitters: PubMed 18976725 (cited by Labcorp Genetics (formerly Invitae), Labcorp); PubMed 29159838 (cited by Labcorp Genetics (formerly Invitae), Labcorp); PubMed 30337596 (cited by Labcorp Genetics (formerly Invitae), Labcorp); PubMed 31074760 (cited by Labcorp Genetics (formerly Invitae), Labcorp).

NM_001142800.2(EYS):c.8692del (p.Ser2898fs)

Genes: EYS (EGF-like photoreceptor maintenance factor; minus strand), PHF3 (PHD finger protein 3; plus strand). Cytogenetic location: 6q12.
Variant type: Deletion.
Coding change: c.8692del on transcript NM_001142800.2 (MANE Select); coding-DNA position 8692, one base deleted (T; older notation c.8692delT).
Protein change: p.Ser2898fs; shifts the reading frame from serine 2898.
Molecular consequence: frameshift variant. On other transcripts: 3 prime UTR variant (5).
Genome position (GRCh38, 1-based): chr6:63,721,339, A deleted on the plus strand (T on the coding strand, the reverse complement: EYS is on the minus strand); the first of 5 consecutive A bases (chr6:63,721,339-63,721,343); deleting any one gives the same sequence. VCF-style (leftmost placement, unchanged base first): chr6-63721338-GA-G. GRCh37 (hg19) VCF-style: chr6-64431234-GA-G.
Other names: c.*7635del (NM_001290259.2, NM_001370348.2, NM_001370349.2 and 2 more transcripts); c.8755del, p.Ser2919fs (NM_001292009.2); short protein forms S2898fs, S2919fs.
Identifiers: ClinVar variation 1451270 (VCV001451270.8), dbSNP rs2149624828, ClinGen allele CA2557904147.
Genomic context (GRCh38, chr6:63,721,338, plus strand): 5'-TTCAAACAGGACACAGACTGGTTACATGTATTTCCAGCCCAATCTGGCAAACATCTGCAA[GA>G]AAAAGTTGTGCCATTTACTGTACATTCACCTCCATTTCTGCATGTGTTGTACCCACAGGC-3'